The following is an entry in ClinVar:

NM_006734.4(HIVEP2):c.457A>G (p.Lys153Glu)

Gene: HIVEP2 (HIVEP zinc finger 2; minus strand). Cytogenetic location: 6q24.2.
Variant type: single nucleotide variant.
Coding change: c.457A>G on transcript NM_006734.4 (MANE Select); coding-DNA position 457, A replaced by G.
Protein change: p.Lys153Glu; replaces lysine 153 with glutamic acid.
Molecular consequence: missense variant.
Genome position (GRCh38, 1-based): chr6:142,774,282, T>C on the plus strand (A>G on the coding strand, the complement: HIVEP2 is on the minus strand). VCF-style: chr6-142774282-T-C. GRCh37 (hg19) VCF-style: chr6-143095419-T-C.
Other names: short protein forms K153E.
Identifiers: ClinVar variation 3284376 (VCV003284376.3).

ClinVar aggregate classification (germline): Uncertain significance. Review status: criteria provided, multiple submitters, no conflicts (2 of 4 stars). 2 submissions from 2 submitters: Uncertain significance (2). Last evaluated 2024-07-11.

Conditions:
Inborn genetic diseases. Identifiers: MedGen C0950123, MeSH D030342.

gnomAD v4.1: 19 of 1,614,052 alleles (0.0012%); highest among the groups gnomAD compares: Non-Finnish European, 0.0016%; no homozygotes.

Submissions (2):

Labcorp Genetics (formerly Invitae), Labcorp
Classification: Uncertain significance. Last evaluated: 2024-07-11. Review status: criteria provided, single submitter. Criteria: Invitae Variant Classification Sherloc (09022015). Collection method: clinical testing. Allele origin: germline.
Comment: This sequence change replaces lysine, which is basic and polar, with glutamic acid, which is acidic and polar, at codon 153 of the HIVEP2 protein (p.Lys153Glu). This variant is present in population databases (no rsID available, gnomAD 0.0009%). This variant has not been reported in the literature in individuals affected with HIVEP2-related conditions. Advanced modeling of protein sequence and biophysical properties (such as structural, functional, and spatial information, amino acid conservation, physicochemical variation, residue mobility, and thermodynamic stability) performed at Invitae indicates that this missense variant is not expected to disrupt HIVEP2 protein function with a negative predictive value of 80%. In summary, the available evidence is currently insufficient to determine the role of this variant in disease. Therefore, it has been classified as a Variant of Uncertain Significance.

Ambry Genetics
Classification: Uncertain significance for Inborn genetic diseases. Last evaluated: 2024-03-15. Review status: criteria provided, single submitter. Criteria: Ambry Variant Classification Scheme 2023. Collection method: clinical testing. Allele origin: germline.